The following is an entry in ClinVar:

Single allele

Genes: MIR8485 (microRNA 8485; minus strand), NRXN1 (neurexin 1; minus strand), LOC110121071 (VISTA enhancer hs1348; plus strand), LOC129388861 (MPRA-validated peak3699 silencer; plus strand). Cytogenetic location: 2p16.3.
Variant type: Deletion.
Identifiers: ClinVar variation 560146 (VCV000560146.3).

ClinVar aggregate classification (germline): Pathogenic (1 of 4 stars; one submission).

Conditions:
Pitt-Hopkins-like syndrome 2 (PTHSL2). Identifiers: Orphanet 221150, Orphanet 600663, MedGen C3280479, MONDO:0013690, OMIM 614325.

Submission:

Geisinger Autism and Developmental Medicine Institute, Geisinger Health System
Classification: Pathogenic for Pitt-Hopkins-like syndrome 2. Last evaluated: 2018-04-12. Review status: criteria provided, single submitter. Criteria: ACMG CNV Guidelines, 2011. Collection method: provider interpretation. Allele origin: unknown. Affected: no.
Comment: Parental testing was not completed. This deletion includes a portion of NRXN1, and similar other deletions are have been reported in individuals with autism, intellectual disability, ADHD, schizophrenia, and/or seizures. Biallelic mutations in NRXN1 are associated with Pitt-Hopkins-like syndrome 2. This deletion appears to explain the patient's medical history.

Literature cited by the submitters: PubMed 28289584; PubMed 23495017; PubMed 23533028; PubMed 25614873.